The following is an entry in ClinVar:

ClinVar aggregate classification (germline): Uncertain significance (1 of 4 stars; one submission).

Conditions:
Tuberous sclerosis 2 (TSC2). Identifiers: Orphanet 805, MedGen C1860707, MONDO:0013199, OMIM 613254.

Submission:

Labcorp Genetics (formerly Invitae), Labcorp
Classification: Uncertain significance for Tuberous sclerosis 2. Last evaluated: 2022-02-28. Review status: criteria provided, single submitter. Criteria: Invitae Variant Classification Sherloc (09022015). Collection method: clinical testing. Allele origin: germline.
Comment: In summary, the available evidence is currently insufficient to determine the role of this variant in disease. Therefore, it has been classified as a Variant of Uncertain Significance. Algorithms developed to predict the effect of sequence changes on RNA splicing suggest that this variant may create or strengthen a splice site. This variant has not been reported in the literature in individuals affected with TSC2-related conditions. This variant is not present in population databases (gnomAD no frequency). This sequence change falls in intron 4 of the TSC2 gene. It does not directly change the encoded amino acid sequence of the TSC2 protein.

NM_000548.5(TSC2):c.337-13C>G

Gene: TSC2 (TSC complex subunit 2; plus strand). Cytogenetic location: 16p13.3.
Variant type: single nucleotide variant.
Coding change: c.337-13C>G on transcript NM_000548.5 (MANE Select); 13 bases into the intron before coding-DNA position 337, C replaced by G.
Molecular consequence: intron variant.
Genome position (GRCh38, 1-based): chr16:2,054,283, C>G. VCF-style: chr16-2054283-C-G. GRCh37 (hg19) VCF-style: chr16-2104284-C-G.
Other names: c.337-13C>G (NM_001114382.3, NM_021055.3, NM_001370405.1 and 3 more transcripts); c.226-13C>G (NM_001318827.2); c.-1-1913C>G (NM_001318831.2); c.190-13C>G (NM_001318829.2); c.370-13C>G (NM_001318832.2).
Identifiers: ClinVar variation 2104464 (VCV002104464.4), dbSNP rs2151039623, ClinGen allele CA2580090645.